The following is an entry in ClinVar:

NM_002894.3(RBBP8):c.1147G>A (p.Ala383Thr)

Gene: RBBP8 (RB binding protein 8, endonuclease; plus strand). Cytogenetic location: 18q11.2.
Variant type: single nucleotide variant.
Coding change: c.1147G>A on transcript NM_002894.3 (MANE Select); coding-DNA position 1147, G replaced by A.
Protein change: p.Ala383Thr; replaces alanine 383 with threonine.
Molecular consequence: missense variant.
Genome position (GRCh38, 1-based): chr18:22,992,974, G>A. VCF-style: chr18-22992974-G-A. GRCh37 (hg19) VCF-style: chr18-20572937-G-A.
Other names: c.1147G>A, p.Ala383Thr (NM_203291.2, NM_203292.2); short protein forms A383T.
Identifiers: ClinVar variation 1430734 (VCV001430734.6), dbSNP rs767858966, ClinGen allele CA8910026.

ClinVar aggregate classification (germline): Uncertain significance (1 of 4 stars; one submission).

Allele frequency attached by ClinVar (database versions not stated): gnomAD 0.00001; gnomAD exomes 0.00002; ExAC 0.00003.

Submission:

Labcorp Genetics (formerly Invitae), Labcorp
Classification: Uncertain significance. Last evaluated: 2021-12-15. Review status: criteria provided, single submitter. Criteria: Invitae Variant Classification Sherloc (09022015). Collection method: clinical testing. Allele origin: germline.
Comment: This sequence change replaces alanine, which is neutral and non-polar, with threonine, which is neutral and polar, at codon 383 of the RBBP8 protein (p.Ala383Thr). This variant is present in population databases (rs767858966, gnomAD 0.02%). This variant has not been reported in the literature in individuals affected with RBBP8-related conditions. Algorithms developed to predict the effect of missense changes on protein structure and function output the following: SIFT: "Tolerated"; PolyPhen-2: "Benign"; Align-GVGD: "Class C0". The threonine amino acid residue is found in multiple mammalian species, which suggests that this missense change does not adversely affect protein function. In summary, the available evidence is currently insufficient to determine the role of this variant in disease. Therefore, it has been classified as a Variant of Uncertain Significance.